The following is an entry in ClinVar:

NM_000329.3(RPE65):c.29G>A (p.Gly10Asp)

Gene: RPE65 (retinoid isomerohydrolase RPE65; minus strand). Cytogenetic location: 1p31.3.
Variant type: single nucleotide variant.
Coding change: c.29G>A on transcript NM_000329.3 (MANE Select); coding-DNA position 29, G replaced by A.
Protein change: p.Gly10Asp; replaces glycine 10 with aspartic acid.
Molecular consequence: missense variant. On other transcripts: 5 prime UTR variant (1), intron variant (1).
Genome position (GRCh38, 1-based): chr1:68,448,689, C>T on the plus strand (G>A on the coding strand, the complement: RPE65 is on the minus strand). VCF-style: chr1-68448689-C-T. GRCh37 (hg19) VCF-style: chr1-68914372-C-T.
Other names: c.29G>A, p.Gly10Asp (NM_001406853.1, NM_001406859.1, NM_001406860.1); c.-97G>A (NM_001406856.1); c.-183+1206G>A (NM_001406857.1); short protein forms G10D.
Identifiers: ClinVar variation 4788588 (VCV004788588.1).

ClinVar aggregate classification (germline): Uncertain significance (1 of 4 stars; one submission).

Conditions:
Retinitis pigmentosa 20 (RP20). Identifiers: Orphanet 791, MedGen C3151086, MONDO:0013425, OMIM 613794.
Leber congenital amaurosis 2 (LCA2). Also called: AMAUROSIS CONGENITA OF LEBER II; Autosomal Recessive RPE65-Related Retinal Degeneration. Identifiers: Orphanet 65, MedGen C1859844, MONDO:0008765, OMIM 204100. Disease mechanism: loss of function.

gnomAD v4.1: 2 of 1,613,512 alleles (0.00012%); highest among the groups gnomAD compares: Admixed American, 0.0033%; no homozygotes.

Submission:

Labcorp Genetics (formerly Invitae), Labcorp
Classification: Uncertain significance for Leber congenital amaurosis 2; Retinitis pigmentosa 20. Last evaluated: 2025-11-06. Review status: criteria provided, single submitter. Criteria: Invitae Variant Classification Sherloc (09022015). Collection method: clinical testing. Allele origin: germline.
Comment: This sequence change replaces glycine, which is neutral and non-polar, with aspartic acid, which is acidic and polar, at codon 10 of the RPE65 protein (p.Gly10Asp). This variant is not present in population databases (gnomAD no frequency). This variant has not been reported in the literature in individuals affected with RPE65-related conditions. Invitae Evidence Modeling of protein sequence and biophysical properties (such as structural, functional, and spatial information, amino acid conservation, physicochemical variation, residue mobility, and thermodynamic stability) has been performed for this missense variant. However, the output from this modeling did not meet the statistical confidence thresholds required to predict the impact of this variant on RPE65 protein function. In summary, the available evidence is currently insufficient to determine the role of this variant in disease. Therefore, it has been classified as a Variant of Uncertain Significance.